The following is an entry in ClinVar:

ClinVar aggregate classification (germline): Benign (0 of 4 stars; one submission).

Conditions:
AR-related disorder. Also called: AR-related condition.

Submission:

PreventionGenetics, part of Exact Sciences
Classification: Benign for AR-related condition. Last evaluated: 2019-07-01. Review status: no assertion criteria provided. Collection method: clinical testing. Allele origin: germline.
Comment: This variant is classified as benign based on ACMG/AMP sequence variant interpretation guidelines (Richards et al. 2015 PMID: 25741868, with internal and published modifications).

NM_000044.6(AR):c.170_184del (p.Leu57_Gln61del)

Genes: AR (androgen receptor; plus strand), LOC109504725 (androgen receptor repeat instability region; plus strand). Cytogenetic location: Xq12.
Variant type: Deletion.
Coding change: c.170_184del on transcript NM_000044.6 (MANE Select); coding-DNA positions 170 to 184, 15 bases deleted (TGCAGCAGCAGCAGC).
Protein change: p.Leu57_Gln61del.
Molecular consequence: inframe deletion. On other transcripts: 5 prime UTR variant (1).
Genome position (GRCh38, 1-based): chrX:67,545,316-67,545,330, TGCAGCAGCAGCAGC deleted; deleting any 15 consecutive bases within chrX:67,545,314-67,545,330 gives the same sequence; the c. name uses the placement nearest the transcript's 3' end. VCF-style (leftmost placement, unchanged base first): chrX-67545313-TGCTGCAGCAGCAGCA-T. GRCh37 (hg19) VCF-style: chrX-66765155-TGCTGCAGCAGCAGCA-T.
Other names: c.170_184del, p.Leu57_Gln61del (NM_001348061.1, NM_001348063.1, NM_001348064.1); c.170_184del15 (NM_000044.3); c.-1614_-1600del (NM_001011645.3).
Identifiers: ClinVar variation 3043532 (VCV003043532.2), dbSNP rs779780641, ClinGen allele CA10436228.